The following is an entry in ClinVar:

ClinVar aggregate classification (germline): Conflicting classifications of pathogenicity. Review status: criteria provided, conflicting classifications (1 of 4 stars). 3 submissions from 3 submitters: Likely pathogenic (2); Uncertain significance (1). Last evaluated 2025-04-30.

Conditions:
Autosomal recessive limb-girdle muscular dystrophy type 2J (LGMDR10). Also called: Limb-girdle muscular dystrophy, type 2J; MUSCULAR DYSTROPHY, LIMB-GIRDLE, AUTOSOMAL RECESSIVE 10. Identifiers: Orphanet 140922, MedGen C1837342, MONDO:0012127, OMIM 608807.
Dilated cardiomyopathy 1G (CMD1G). Identifiers: Orphanet 154, MedGen C1858763, MONDO:0011400, OMIM 604145.
Cardiovascular phenotype. Identifiers: MedGen CN230736.

Allele frequency attached by ClinVar (database versions not stated): gnomAD exomes below 0.00001; TOPMed below 0.00001; ExAC 0.00001; gnomAD 0.00001.
gnomAD v4.1: 5 of 1,610,628 alleles (0.00031%); highest among the groups gnomAD compares: Non-Finnish European, 0.00042%; no homozygotes.

Submissions (3):

Ambry Genetics
Classification: Uncertain significance for Cardiovascular phenotype. Last evaluated: 2025-04-30. Review status: criteria provided, single submitter. Criteria: Ambry Variant Classification Scheme 2023. Collection method: clinical testing. Allele origin: germline.
Comment: The c.41332+1G>C intronic variant results from a G to C substitution one nucleotide after coding exon 149 of the TTN gene. This exon is located in the A-band region of the N2-B isoform of the titin protein and is constitutively expressed in TTN transcripts (percent spliced in or PSI 100%). This nucleotide position is highly conserved in available vertebrate species. In silico splice site analysis predicts that this alteration will weaken the native splice donor site. This alteration disrupts the canonical splice site and is expected to cause aberrant splicing. However, although direct evidence is unavailable, this alteration is predicted to result in an in-frame transcript that is not expected to trigger nonsense-mediated mRNA decay. The exact functional effect of the predicted splice impact is unknown. Based on the available evidence, the clinical significance of this variant remains unclear.

Labcorp Genetics (formerly Invitae), Labcorp
Classification: Likely pathogenic for Dilated cardiomyopathy 1G; Autosomal recessive limb-girdle muscular dystrophy type 2J. Last evaluated: 2024-05-22. Review status: criteria provided, single submitter. Criteria: Invitae Variant Classification Sherloc (09022015). Collection method: clinical testing. Allele origin: germline.
Comment: This sequence change affects a donor splice site in intron 322 of the TTN gene. It is expected to disrupt RNA splicing and likely results in a truncated or disrupted TTN protein. This variant is present in population databases (rs766984722, gnomAD 0.0009%). This variant has not been reported in the literature in individuals affected with TTN-related conditions. ClinVar contains an entry for this variant (Variation ID: 946801). Algorithms developed to predict the effect of sequence changes on RNA splicing suggest that this variant may disrupt the consensus splice site. This variant is located in the A band of TTN (PMID: 25589632). Truncating variants in this region are significantly overrepresented in patients affected with dilated cardiomyopathy (PMID: 25589632). Truncating variants in this region have also been reported in individuals affected with autosomal recessive centronuclear myopathy (PMID: 23975875). In summary, the currently available evidence indicates that the variant is pathogenic, but additional data are needed to prove that conclusively. Therefore, this variant has been classified as Likely Pathogenic.

GeneDx
Classification: Likely pathogenic. Last evaluated: 2024-04-12. Review status: criteria provided, single submitter. Criteria: GeneDx Variant Classification Process June 2021. Collection method: clinical testing. Allele origin: germline. Affected: yes.
Comment: Canonical splice site variant predicted to result in an in-frame loss of the adjacent exon in a gene for which loss of function is a known mechanism of disease; Located in the A-band region of TTN in which the majority of loss of function variants have been associated with autosomal dominant titinopathies (PMID: 22335739); Not observed at significant frequency in large population cohorts (gnomAD); Has not been previously published as pathogenic or benign to our knowledge; This variant is associated with the following publications: (PMID: 22335739)

Literature cited by the submitters: PubMed 25589632 (cited by Labcorp Genetics (formerly Invitae), Labcorp); PubMed 23975875 (cited by Labcorp Genetics (formerly Invitae), Labcorp).

NM_001267550.2(TTN):c.68527+1G>C

Genes: TTN-AS1 (TTN antisense RNA 1; plus strand), TTN (titin; minus strand). Cytogenetic location: 2q31.2.
Variant type: single nucleotide variant.
Coding change: c.68527+1G>C on transcript NM_001267550.2 (MANE Select); the canonical splice donor site of the intron after coding-DNA position 68527, G replaced by C.
Molecular consequence: splice donor variant.
Genome position (GRCh38, 1-based): chr2:178,577,987, C>G on the plus strand (G>C on the coding strand, the complement: TTN is on the minus strand). VCF-style: chr2-178577987-C-G. GRCh37 (hg19) VCF-style: chr2-179442714-C-G.
Other names: c.41332+1G>C (NM_003319.4); c.41908+1G>C (NM_133437.4); c.41707+1G>C (NM_133432.3); c.60823+1G>C (NM_133378.4); c.63604+1G>C (NM_001256850.1).
Identifiers: ClinVar variation 946801 (VCV000946801.12), dbSNP rs766984722, ClinGen allele CA1991091.